The following is an entry in ClinVar:

NM_002230.4(JUP):c.275G>C (p.Gly92Ala)

Gene: JUP (junction plakoglobin; minus strand). Cytogenetic location: 17q21.2.
Variant type: single nucleotide variant.
Coding change: c.275G>C on transcript NM_002230.4 (MANE Select); coding-DNA position 275, G replaced by C.
Protein change: p.Gly92Ala; replaces glycine 92 with alanine.
Molecular consequence: missense variant.
Genome position (GRCh38, 1-based): chr17:41,769,611, C>G on the plus strand (G>C on the coding strand, the complement: JUP is on the minus strand). VCF-style: chr17-41769611-C-G. GRCh37 (hg19) VCF-style: chr17-39925863-C-G.
Other names: c.275G>C, p.Gly92Ala (NM_001352773.2, NM_001352774.2, NM_001352775.2 and 3 more transcripts); short protein forms G92A.
Identifiers: ClinVar variation 3761574 (VCV003761574.2).
Genomic context (GRCh38, chr17:41,769,611, plus strand): 5'-TTGGTGGCCTGCCCCTCCACCTGGGTGGCCAGCAGAAGCGAGCTGTCCTCGCCTGACACA[C>G]CAGGGCACATGGCCTCCCGCACCCGTTTGGCCCTGGCTGTTGTGGACATCTGGTACTCCA-3'
Protein context (NP_002221.1, residues 82-102): AKRVREAMCP[Gly92Ala]VSGEDSSLLL

ClinVar aggregate classification (germline): Uncertain significance (1 of 4 stars; one submission).

Conditions:
Arrhythmogenic right ventricular dysplasia 12. Also called: ARRHYTHMOGENIC RIGHT VENTRICULAR DYSPLASIA, FAMILIAL, 12. Identifiers: MedGen C1969081, MONDO:0012684, OMIM 611528.
Naxos disease (NXD). Also called: CARDIOMYOPATHY, ARRHYTHMOGENIC RIGHT VENTRICULAR, WITH SKIN, HAIR, AND NAIL ABNORMALITIES; KERATOSIS PALMOPLANTARIS WITH ARRHYTHMOGENIC CARDIOMYOPATHY; MAL DE NAXOS; PALMOPLANTAR KERATODERMA WITH ARRHYTHMOGENIC RIGHT VENTRICULAR CARDIOMYOPATHY AND WOOLLY HAIR; WOOLLY HAIR, PALMOPLANTAR KERATODERMA, AND CARDIAC ABNORMALITIES. Identifiers: Orphanet 34217, MedGen C1832600, MONDO:0011017, OMIM 601214.

gnomAD v4.1: 4 of 1,605,746 alleles (0.00025%); highest among the groups gnomAD compares: East Asian, 0.009%; no homozygotes.

Submission:

Labcorp Genetics (formerly Invitae), Labcorp
Classification: Uncertain significance for Arrhythmogenic right ventricular dysplasia 12; Naxos disease. Last evaluated: 2024-06-20. Review status: criteria provided, single submitter. Criteria: Invitae Variant Classification Sherloc (09022015). Collection method: clinical testing. Allele origin: germline.
Comment: This sequence change replaces glycine, which is neutral and non-polar, with alanine, which is neutral and non-polar, at codon 92 of the JUP protein (p.Gly92Ala). This variant is present in population databases (no rsID available, gnomAD 0.02%). This variant has not been reported in the literature in individuals affected with JUP-related conditions. An algorithm developed to predict the effect of missense changes on protein structure and function (PolyPhen-2) suggests that this variant is likely to be tolerated. In summary, the available evidence is currently insufficient to determine the role of this variant in disease. Therefore, it has been classified as a Variant of Uncertain Significance.